The following is an entry in ClinVar:

ClinVar aggregate classification (germline): Uncertain significance (1 of 4 stars; one submission).

Conditions:
Dilated cardiomyopathy 1KK (CMD1KK). Identifiers: Orphanet 154, Orphanet 75249, MedGen C3714995, MONDO:0014100, OMIM 615248.

Allele frequency attached by ClinVar (database versions not stated): gnomAD exomes below 0.00001.
gnomAD v4.1: 1 of 1,613,914 alleles (0.000062%); highest among the groups gnomAD compares: Non-Finnish European, 0.000085%; no homozygotes.

Submission:

Labcorp Genetics (formerly Invitae), Labcorp
Classification: Uncertain significance for Dilated cardiomyopathy 1KK. Last evaluated: 2019-05-24. Review status: criteria provided, single submitter. Criteria: Invitae Variant Classification Sherloc (09022015). Collection method: clinical testing. Allele origin: germline.
Comment: This sequence change replaces aspartic acid with glycine at codon 427 of the MYPN protein (p.Asp427Gly). The aspartic acid residue is moderately conserved and there is a moderate physicochemical difference between aspartic acid and glycine. This variant is not present in population databases (ExAC no frequency). This variant has not been reported in the literature in individuals with MYPN-related conditions. Algorithms developed to predict the effect of missense changes on protein structure and function (SIFT, PolyPhen-2, Align-GVGD) all suggest that this variant is likely to be tolerated, but these predictions have not been confirmed by published functional studies and their clinical significance is uncertain. In summary, the available evidence is currently insufficient to determine the role of this variant in disease. Therefore, it has been classified as a Variant of Uncertain Significance.

NM_032578.4(MYPN):c.1280A>G (p.Asp427Gly)

Gene: MYPN (myopalladin; plus strand). Cytogenetic location: 10q21.3.
Variant type: single nucleotide variant.
Coding change: c.1280A>G on transcript NM_032578.4 (MANE Select); coding-DNA position 1280, A replaced by G.
Protein change: p.Asp427Gly; replaces aspartic acid 427 with glycine.
Molecular consequence: missense variant. On other transcripts: non-coding transcript variant (2).
Genome position (GRCh38, 1-based): chr10:68,150,074, A>G. VCF-style: chr10-68150074-A-G. GRCh37 (hg19) VCF-style: chr10-69909831-A-G.
Other names: c.1280A>G, p.Asp427Gly (NM_001256267.2); c.398A>G, p.Asp133Gly (NM_001256268.2); short protein forms D427G, D133G.
Identifiers: ClinVar variation 947674 (VCV000947674.1), dbSNP rs2042741903, ClinGen allele CA376833380.